The following is an entry in ClinVar:

ClinVar aggregate classification (germline): Uncertain significance (1 of 4 stars; one submission).

Conditions:
Dilated cardiomyopathy 1HH (CMD1HH). Identifiers: Orphanet 154, MedGen C3151293, MONDO:0013479, OMIM 613881.
Myofibrillar myopathy 6. Identifiers: Orphanet 199340, MedGen C2751831, MONDO:0013061, OMIM 612954.

Allele frequency attached by ClinVar (database versions not stated): gnomAD exomes below 0.00001; TOPMed below 0.00001.
gnomAD v4.1: 3 of 1,614,176 alleles (0.00019%); highest among the groups gnomAD compares: African/African-American, 0.0013%; no homozygotes.

Submission:

Labcorp Genetics (formerly Invitae), Labcorp
Classification: Uncertain significance for Dilated cardiomyopathy 1HH; Myofibrillar myopathy 6. Last evaluated: 2022-10-19. Review status: criteria provided, single submitter. Criteria: Invitae Variant Classification Sherloc (09022015). Collection method: clinical testing. Allele origin: germline.
Comment: In summary, the available evidence is currently insufficient to determine the role of this variant in disease. Therefore, it has been classified as a Variant of Uncertain Significance. This sequence change replaces proline, which is neutral and non-polar, with serine, which is neutral and polar, at codon 219 of the BAG3 protein (p.Pro219Ser). This variant is not present in population databases (gnomAD no frequency). This variant has not been reported in the literature in individuals affected with BAG3-related conditions. ClinVar contains an entry for this variant (Variation ID: 1449800). Advanced modeling of protein sequence and biophysical properties (such as structural, functional, and spatial information, amino acid conservation, physicochemical variation, residue mobility, and thermodynamic stability) performed at Invitae indicates that this missense variant is not expected to disrupt BAG3 protein function.

NM_004281.4(BAG3):c.655C>T (p.Pro219Ser)

Gene: BAG3 (BAG cochaperone 3; plus strand). Cytogenetic location: 10q26.11.
Variant type: single nucleotide variant.
Coding change: c.655C>T on transcript NM_004281.4 (MANE Select); coding-DNA position 655, C replaced by T.
Protein change: p.Pro219Ser; replaces proline 219 with serine.
Molecular consequence: missense variant.
Genome position (GRCh38, 1-based): chr10:119,672,402, C>T. VCF-style: chr10-119672402-C-T. GRCh37 (hg19) VCF-style: chr10-121431914-C-T.
Other names: short protein forms P219S.
Identifiers: ClinVar variation 1449800 (VCV001449800.8), dbSNP rs1847164115, ClinGen allele CA378295521.